The following is an entry in ClinVar:

NM_173660.5(DOK7):c.1340_1354del (p.Leu447_Arg451del)

Gene: DOK7 (docking protein 7; plus strand). Cytogenetic location: 4p16.3.
Variant type: Deletion.
Coding change: c.1340_1354del on transcript NM_173660.5 (MANE Select); coding-DNA positions 1340 to 1354, 15 bases deleted (TGGGCACGAGACGGC).
Protein change: p.Leu447_Arg451del.
Molecular consequence: inframe deletion. On other transcripts: 3 prime UTR variant (1).
Genome position (GRCh38, 1-based): chr4:3,493,326-3,493,340, TGGGCACGAGACGGC deleted; deleting any 15 consecutive bases within chr4:3,493,323-3,493,340 gives the same sequence; the c. name uses the placement nearest the transcript's 3' end. VCF-style (leftmost placement, unchanged base first): chr4-3493322-TGGCTGGGCACGAGAC-T. GRCh37 (hg19) VCF-style: chr4-3495049-TGGCTGGGCACGAGAC-T.
Other names: c.1340_1354del (NM_173660.4); c.*561_*575del (NM_001164673.2); c.410_424del, p.Leu137_Arg141del (NM_001256896.2); c.1340_1354del, p.Leu447_Arg451del (NM_001301071.2); c.908_922del, p.Leu303_Arg307del (NM_001363811.2).
Identifiers: ClinVar variation 465675 (VCV000465675.8), dbSNP rs779508279, ClinGen allele CA2829473.

ClinVar aggregate classification (germline): Uncertain significance. Review status: criteria provided, multiple submitters, no conflicts (2 of 4 stars). 3 submissions from 3 submitters: Uncertain significance (2). 1 of the submissions does not count toward it. Last evaluated 2022-07-27.

Conditions:
Fetal akinesia deformation sequence 1 (FADS1). Also called: Fetal akinesia sequence; Pena-Shokeir syndrome type I. Identifiers: Orphanet 994, MedGen C1276035, MONDO:0100101, OMIM 208150, HP:0001989.
Congenital myasthenic syndrome 10. Also called: Myasthenia, limb-girdle, familial. Identifiers: Orphanet 590, MedGen C1850792, MONDO:0009690, OMIM 254300.

Submissions (3):

Labcorp Genetics (formerly Invitae), Labcorp
Classification: Uncertain significance for Congenital myasthenic syndrome 10; Fetal akinesia deformation sequence 1. Last evaluated: 2022-07-27. Review status: criteria provided, single submitter. Criteria: Invitae Variant Classification Sherloc (09022015). Collection method: clinical testing. Allele origin: germline.
Comment: This variant, c.1340_1354del, results in the deletion of 5 amino acid(s) of the DOK7 protein (p.Leu447_Arg451del), but otherwise preserves the integrity of the reading frame. This variant is present in population databases (rs779508279, gnomAD 0.01%). This variant has not been reported in the literature in individuals affected with DOK7-related conditions. ClinVar contains an entry for this variant (Variation ID: 465675). Experimental studies and prediction algorithms are not available or were not evaluated, and the functional significance of this variant is currently unknown. In summary, the available evidence is currently insufficient to determine the role of this variant in disease. Therefore, it has been classified as a Variant of Uncertain Significance.

Revvity Omics, Revvity
Classification: Uncertain significance. Last evaluated: 2019-06-26. Review status: criteria provided, single submitter. Criteria: ACMG Guidelines, 2015. Collection method: clinical testing. Allele origin: germline.

Department of Pathology and Laboratory Medicine, Sinai Health System
Classification: Uncertain significance. Review status: no assertion criteria provided. Collection method: clinical testing. Allele origin: unknown. Affected: yes. Study: The Canadian Open Genetics Repository (COGR). Not counted in ClinVar's aggregate classification.
Comment: The DOK7 p.Leu137_Arg141del variant was not identified in the literature but was identified in dbSNP (ID: rs779508279) and ClinVar (classified as uncertain significance by Invitae). The variant was identified in control databases in 10 of 251084 chromosomes at a frequency of 0.00003983 (Genome Aggregation Database March 6, 2019, v2.1.1). The variant was observed in the following populations: South Asian in 4 of 29126 chromosomes (freq: 0.000137), European (non-Finnish) in 5 of 109750 chromosomes (freq: 0.000046) and Latino in 1 of 33670 chromosomes (freq: 0.00003), but was not observed in the African, Ashkenazi Jewish, East Asian, European (Finnish), or Other populations. This variant is an in-frame deletion resulting in the removal of codons 137 to 141; the impact of this alteration on DOK7 protein function is not known. The variant occurs outside of the splicing consensus sequence and three of four in silico or computational prediction software programs (SpliceSiteFinder, MaxEntScan, NNSPLICE, GeneSplicer) do not predict a difference in splicing. In summary, based on the above information the clinical significance of this variant cannot be determined with certainty at this time. This variant is classified as a variant of uncertain significance.